The following is an entry in ClinVar:

NM_000860.6(HPGD):c.722C>G (p.Ala241Gly)

Gene: HPGD (15-hydroxyprostaglandin dehydrogenase; minus strand). Cytogenetic location: 4q34.1.
Variant type: single nucleotide variant.
Coding change: c.722C>G on transcript NM_000860.6 (MANE Select); coding-DNA position 722, C replaced by G.
Protein change: p.Ala241Gly; replaces alanine 241 with glycine.
Molecular consequence: missense variant. On other transcripts: 3 prime UTR variant (2).
Genome position (GRCh38, 1-based): chr4:174,492,035, G>C on the plus strand (C>G on the coding strand, the complement: HPGD is on the minus strand). VCF-style: chr4-174492035-G-C. GRCh37 (hg19) VCF-style: chr4-175413186-G-C.
Other names: c.*21C>G (NM_001145816.3); c.359C>G, p.Ala120Gly (NM_001256301.1, NM_001256307.2); c.*49C>G (NM_001256305.2); c.518C>G, p.Ala173Gly (NM_001256306.2); short protein forms A173G, A120G, A241G.
Identifiers: ClinVar variation 2105557 (VCV002105557.4), dbSNP rs2477824223, ClinGen allele CA358811732.

ClinVar aggregate classification (germline): Uncertain significance (1 of 4 stars; one submission).

Submission:

Labcorp Genetics (formerly Invitae), Labcorp
Classification: Uncertain significance. Last evaluated: 2025-03-17. Review status: criteria provided, single submitter. Criteria: Invitae Variant Classification Sherloc (09022015). Collection method: clinical testing. Allele origin: germline.
Comment: This sequence change replaces alanine, which is neutral and non-polar, with glycine, which is neutral and non-polar, at codon 241 of the HPGD protein (p.Ala241Gly). This variant is not present in population databases (gnomAD no frequency). This variant has not been reported in the literature in individuals affected with HPGD-related conditions. ClinVar contains an entry for this variant (Variation ID: 2105557). An algorithm developed to predict the effect of missense changes on protein structure and function (PolyPhen-2) suggests that this variant is likely to be tolerated. In summary, the available evidence is currently insufficient to determine the role of this variant in disease. Therefore, it has been classified as a Variant of Uncertain Significance.